The following is an entry in ClinVar:

ClinVar aggregate classification (germline): Likely benign (1 of 4 stars; one submission).

Allele frequency attached by ClinVar (database versions not stated): 1000 Genomes Project 0.00060; 1000 Genomes Project 30x 0.00062; gnomAD exomes 0.00087; ESP Exome Variant Server 0.00100; gnomAD 0.00104; ExAC 0.00121; TOPMed 0.00154.
gnomAD v4.1: 1,549 of 1,611,352 alleles (0.096%); highest among the groups gnomAD compares: Middle Eastern, 0.54%; 9 homozygotes.

Submission:

CeGaT Center for Human Genetics Tuebingen
Classification: Likely benign. Last evaluated: 2023-01-01. Review status: criteria provided, single submitter. Criteria: CeGaT Center For Human Genetics Tuebingen Variant Classification Criteria Version 2. Collection method: clinical testing. Allele origin: germline. Affected: yes. Observed: 1 variant allele.
Comment: RHOJ: BP4, BP7

NM_020663.5(RHOJ):c.228C>T (p.Thr76=)

Gene: RHOJ (ras homolog family member J; plus strand). Cytogenetic location: 14q23.2.
Variant type: single nucleotide variant.
Coding change: c.228C>T on transcript NM_020663.5 (MANE Select); coding-DNA position 228, C replaced by T.
Protein change: p.Thr76=; no amino-acid change (threonine 76 retained).
Molecular consequence: synonymous variant.
Genome position (GRCh38, 1-based): chr14:63,269,159, C>T. VCF-style: chr14-63269159-C-T. GRCh37 (hg19) VCF-style: chr14-63735877-C-T.
Identifiers: ClinVar variation 2644275 (VCV002644275.24), dbSNP rs144360251, ClinGen allele CA7217898.